The following is an entry in ClinVar:

NM_004380.3(CREBBP):c.3078G>C (p.Leu1026Phe)

Gene: CREBBP (CREB binding protein; minus strand). Cytogenetic location: 16p13.3.
Variant type: single nucleotide variant.
Coding change: c.3078G>C on transcript NM_004380.3 (MANE Select); coding-DNA position 3078, G replaced by C.
Protein change: p.Leu1026Phe; replaces leucine 1026 with phenylalanine.
Molecular consequence: missense variant.
Genome position (GRCh38, 1-based): chr16:3,767,892, C>G on the plus strand (G>C on the coding strand, the complement: CREBBP is on the minus strand). VCF-style: chr16-3767892-C-G. GRCh37 (hg19) VCF-style: chr16-3817893-C-G.
Other names: c.2964G>C, p.Leu988Phe (NM_001079846.1); short protein forms L1026F, L988F.
Identifiers: ClinVar variation 1810506 (VCV001810506.1), dbSNP rs2548407888, ClinGen allele CA394571080.

ClinVar aggregate classification (germline): Uncertain significance (1 of 4 stars; one submission).

Submission:

GeneDx
Classification: Uncertain significance. Last evaluated: 2022-07-05. Review status: criteria provided, single submitter. Criteria: GeneDx Variant Classification Process June 2021. Collection method: clinical testing. Allele origin: germline. Affected: yes.
Comment: Not observed at significant frequency in large population cohorts (gnomAD); In silico analysis supports that this missense variant does not alter protein structure/function; Has not been previously published as pathogenic or benign to our knowledge